The following is an entry in ClinVar:

NM_145059.3(FCSK):c.1197C>A (p.Cys399Ter)

Gene: FCSK (fucose kinase; plus strand). Cytogenetic location: 16q22.1.
Variant type: single nucleotide variant.
Coding change: c.1197C>A on transcript NM_145059.3 (MANE Select); coding-DNA position 1197, C replaced by A.
Protein change: p.Cys399Ter; replaces cysteine 399 with a stop codon.
Molecular consequence: nonsense.
Genome position (GRCh38, 1-based): chr16:70,471,208, C>A. VCF-style: chr16-70471208-C-A. GRCh37 (hg19) VCF-style: chr16-70505111-C-A.
Other names: short protein forms C399*.
Identifiers: ClinVar variation 4845771 (VCV004845771.1).

ClinVar aggregate classification (germline): Likely pathogenic (1 of 4 stars; one submission).

Conditions:
Congenital disorder of glycosylation with defective fucosylation 2 (CDGF2). Identifiers: MedGen C5193028, MONDO:0020777, OMIM 618324.

Submission:

First Genomix Gene Laboratory, Genetic Diagnostics Department
Classification: Likely pathogenic for Congenital disorder of glycosylation with defective fucosylation 2. Last evaluated: 2025-03-20. Review status: criteria provided, single submitter. Criteria: ACMG Guidelines, 2015. Collection method: clinical testing. Allele origin: germline. Inheritance: Autosomal recessive inheritance. Affected: no. Observed: 1 variant allele.